The following is an entry in ClinVar:

ClinVar aggregate classification (germline): Benign/Likely benign. Review status: criteria provided, multiple submitters, no conflicts (2 of 4 stars). 4 submissions from 4 submitters: Benign (3); Likely benign (1). Last evaluated 2026-02-01.

Submissions (4):

Labcorp Genetics (formerly Invitae), Labcorp
Classification: Benign. Last evaluated: 2026-02-01. Review status: criteria provided, single submitter. Criteria: Invitae Variant Classification Sherloc (09022015). Collection method: clinical testing. Allele origin: germline.

CeGaT Center for Human Genetics Tuebingen
Classification: Likely benign. Last evaluated: 2026-01-01. Review status: criteria provided, single submitter. Criteria: CeGaT Center For Human Genetics Tuebingen Variant Classification Criteria Version 2. Collection method: clinical testing. Allele origin: germline. Affected: yes. Observed: 7 variant alleles.
Comment: PNPT1: BP4, BS2

Mayo Clinic Laboratories, Mayo Clinic
Classification: Benign. Last evaluated: 2025-02-12. Review status: criteria provided, single submitter. Criteria: ACMG Guidelines, 2015. Collection method: clinical testing. Allele origin: germline. Observed: 7 variant alleles.
Comment: BA1, BS2, BP4, BP7

GeneDx
Classification: Benign. Last evaluated: 2018-02-22. Review status: criteria provided, single submitter. Criteria: GeneDx Variant Classification (06012015). Collection method: clinical testing. Allele origin: germline. Affected: yes.
Comment: This variant is considered likely benign or benign based on one or more of the following criteria: it is a conservative change, it occurs at a poorly conserved position in the protein, it is predicted to be benign by multiple in silico algorithms, and/or has population frequency not consistent with disease.

NM_033109.5(PNPT1):c.2149-13dup

Gene: PNPT1 (polyribonucleotide nucleotidyltransferase 1; minus strand). Cytogenetic location: 2p16.1.
Variant type: Duplication.
Coding change: c.2149-13dup on transcript NM_033109.5 (MANE Select); 13 bases into the intron before coding-DNA position 2149, one base duplicated (T; older notation c.2149-13dupT).
Molecular consequence: intron variant.
Genome position (GRCh38, 1-based): chr2:55,637,604, A duplicated on the plus strand (T on the coding strand, the reverse complement: PNPT1 is on the minus strand); the first of 9 consecutive A bases (chr2:55,637,604-55,637,612); duplicating any one gives the same sequence. VCF-style (leftmost placement, unchanged base first): chr2-55637603-G-GA. GRCh37 (hg19) VCF-style: chr2-55864738-G-GA.
Other names: p.?; c.2149-5dupT (NM_033109.4); c.2149-5dup (NM_033109.5).
Identifiers: ClinVar variation 418558 (VCV000418558.36), dbSNP rs532500568, ClinGen allele CA1667768.